The following is an entry in ClinVar:

ClinVar aggregate classification (germline): Conflicting classifications of pathogenicity. Review status: criteria provided, conflicting classifications (1 of 4 stars). 6 submissions from 6 submitters: Uncertain significance (1); Benign (4); Likely benign (1). Last evaluated 2026-09-01.

Conditions:
Neuromuscular disease caused by qualitative or quantitative defects of dysferlin. Also called: Qualitative or quantitative defects of dysferlin; Dysferlinopathy. Identifiers: Orphanet 207073, MedGen C2931687, MONDO:0016145.

Allele frequency attached by ClinVar (database versions not stated): TOPMed 0.00150; 1000 Genomes Project 30x 0.00187; 1000 Genomes Project 0.00200; ESP Exome Variant Server 0.00208; ExAC 0.00361; gnomAD exomes 0.00433; gnomAD 0.00440 and 0.00464.
gnomAD v4.1: 6,467 of 1,613,880 alleles (0.4%); highest among the groups gnomAD compares: Non-Finnish European, 0.34%; 41 homozygotes.

Submissions (6):

CeGaT Center for Human Genetics Tuebingen
Classification: Likely benign. Last evaluated: 2026-09-01. Review status: criteria provided, single submitter. Criteria: CeGaT Center For Human Genetics Tuebingen Variant Classification Criteria Version 2. Collection method: clinical testing. Allele origin: germline. Affected: yes. Observed: 3 variant alleles.
Comment: DYSF: BP4, BP7

Labcorp Genetics (formerly Invitae), Labcorp
Classification: Benign for Neuromuscular disease caused by qualitative or quantitative defects of dysferlin. Last evaluated: 2026-02-01. Review status: criteria provided, single submitter. Criteria: Invitae Variant Classification Sherloc (09022015). Collection method: clinical testing. Allele origin: germline.

Athena Diagnostics
Classification: Benign. Last evaluated: 2024-07-31. Review status: criteria provided, single submitter. Criteria: Athena Diagnostics Criteria. Collection method: clinical testing. Allele origin: unknown.

Illumina Laboratory Services, Illumina
Classification: Uncertain significance for Qualitative or quantitative defects of dysferlin. Last evaluated: 2018-01-12. Review status: criteria provided, single submitter. Criteria: ICSL Variant Classification Criteria 13 December 2019. Collection method: clinical testing. Allele origin: germline.

GeneDx
Classification: Benign. Last evaluated: 2016-08-17. Review status: criteria provided, single submitter. Criteria: GeneDx Variant Classification (06012015). Collection method: clinical testing. Allele origin: germline. Affected: yes.
Comment: This variant is considered likely benign or benign based on one or more of the following criteria: it is a conservative change, it occurs at a poorly conserved position in the protein, it is predicted to be benign by multiple in silico algorithms, and/or has population frequency not consistent with disease.

Eurofins Ntd Llc (ga)
Classification: Benign. Last evaluated: 2014-12-16. Review status: criteria provided, single submitter. Criteria: EGL Classification Definitions 2015. Collection method: clinical testing. Allele origin: germline. Observed: 3 variant alleles, 3 heterozygotes.

NM_001130987.2(DYSF):c.777C>T (p.Ile259=)

Gene: DYSF (dysferlin; plus strand). Cytogenetic location: 2p13.2.
Variant type: single nucleotide variant.
Coding change: c.777C>T on transcript NM_001130987.2 (MANE Select); coding-DNA position 777, C replaced by T.
Protein change: p.Ile259=; no amino-acid change (isoleucine 259 retained).
Molecular consequence: synonymous variant.
Genome position (GRCh38, 1-based): chr2:71,515,640, C>T. VCF-style: chr2-71515640-C-T. GRCh37 (hg19) VCF-style: chr2-71742770-C-T.
Other names: c.684C>T, p.Ile228= (NM_001130455.2, NM_001130983.2, NM_001130984.2 and 1 more transcripts); c.681C>T, p.Ile227= (NM_001130976.2, NM_001130977.2, NM_001130978.2 and 1 more transcripts); c.774C>T, p.Ile258= (NM_001130979.2, NM_001130980.2, NM_001130981.2); c.777C>T, p.Ile259= (NM_001130982.2, NM_001130985.2).
Identifiers: ClinVar variation 198497 (VCV000198497.46), dbSNP rs138054675, ClinGen allele CA203476.
Genomic context (GRCh38, chr2:71,515,640, plus strand): 5'-CTCTTCCCCCTTCCTCCTGCTCTTTCCTCCTTCTGGCTTTCAGATCAGGGTCCAGGTGAT[C>T]GAGGGGCGCCAGCTGCCGGGGGTGAACATCAAGCCTGTGGTCAAGGTTACCGCTGCAGGG-3'
Protein context (NP_001124459.1, residues 249-269): PQDFQIRVQV[Ile259=]EGRQLPGVNI